The following is an entry in ClinVar:

ClinVar aggregate classification (germline): Uncertain significance (1 of 4 stars; one submission).

Conditions:
Hereditary cancer-predisposing syndrome. Also called: Neoplastic Syndromes, Hereditary; Tumor predisposition; Hereditary neoplastic syndrome; Hereditary Cancer Syndrome. Identifiers: Orphanet 140162, MedGen C0027672, MeSH D009386, MONDO:0015356.

Submission:

Ambry Genetics
Classification: Uncertain significance for Hereditary cancer-predisposing syndrome. Last evaluated: 2019-12-04. Review status: criteria provided, single submitter. Criteria: Ambry Variant Classification Scheme 2023. Collection method: clinical testing. Allele origin: germline.
Comment: The p.I274V variant (also known as c.820A>G), located in coding exon 6 of the STK11 gene, results from an A to G substitution at nucleotide position 820. The isoleucine at codon 274 is replaced by valine, an amino acid with highly similar properties. This amino acid position is well conserved in available vertebrate species. In addition, this alteration is predicted to be tolerated by in silico analysis. Since supporting evidence is limited at this time, the clinical significance of this alteration remains unclear.

NM_000455.5(STK11):c.820A>G (p.Ile274Val)

Gene: STK11 (serine/threonine kinase 11; plus strand). Cytogenetic location: 19p13.3.
Variant type: single nucleotide variant.
Coding change: c.820A>G on transcript NM_000455.5 (MANE Select); coding-DNA position 820, A replaced by G.
Protein change: p.Ile274Val; replaces isoleucine 274 with valine.
Molecular consequence: missense variant.
Genome position (GRCh38, 1-based): chr19:1,221,298, A>G. VCF-style: chr19-1221298-A-G. GRCh37 (hg19) VCF-style: chr19-1221297-A-G.
Other names: short protein forms I274V.
Identifiers: ClinVar variation 827507 (VCV000827507.4), dbSNP rs1599927666, ClinGen allele CA402950629.